The following is an entry in ClinVar:

ClinVar aggregate classification (germline): Uncertain significance (1 of 4 stars; one submission).

Submission:

GeneDx
Classification: Uncertain significance. Last evaluated: 2024-12-17. Review status: criteria provided, single submitter. Criteria: GeneDx Variant Classification Process June 2021. Collection method: clinical testing. Allele origin: germline. Affected: yes.
Comment: Not observed at significant frequency in large population cohorts (gnomAD); In silico analysis supports that this missense variant has a deleterious effect on protein structure/function; Has not been previously published as pathogenic or benign to our knowledge

NM_001318852.2(MAPK8IP3):c.1988A>G (p.Gln663Arg)

Gene: MAPK8IP3 (mitogen-activated protein kinase 8 interacting protein 3; plus strand). Cytogenetic location: 16p13.3.
Variant type: single nucleotide variant.
Coding change: c.1988A>G on transcript NM_001318852.2 (MANE Select); coding-DNA position 1988, A replaced by G.
Protein change: p.Gln663Arg; replaces glutamine 663 with arginine.
Molecular consequence: missense variant.
Genome position (GRCh38, 1-based): chr16:1,763,746, A>G. VCF-style: chr16-1763746-A-G. GRCh37 (hg19) VCF-style: chr16-1813747-A-G.
Other names: c.1967A>G, p.Gln656Arg (NM_001040439.2); c.1985A>G, p.Gln662Arg (NM_015133.5); short protein forms Q656R, Q662R, Q663R.
Identifiers: ClinVar variation 3906619 (VCV003906619.1).